The following is an entry in ClinVar:

NM_001042492.3(NF1):c.2833T>G (p.Phe945Val)

Gene: NF1 (neurofibromin 1; plus strand). Cytogenetic location: 17q11.2.
Variant type: single nucleotide variant.
Coding change: c.2833T>G on transcript NM_001042492.3 (MANE Select); coding-DNA position 2833, T replaced by G.
Protein change: p.Phe945Val; replaces phenylalanine 945 with valine.
Molecular consequence: missense variant.
Genome position (GRCh38, 1-based): chr17:31,229,448, T>G. VCF-style: chr17-31229448-T-G. GRCh37 (hg19) VCF-style: chr17-29556466-T-G.
Other names: c.2833T>G, p.Phe945Val (NM_000267.4); short protein forms F945V.
Identifiers: ClinVar variation 4037495 (VCV004037495.1).

ClinVar aggregate classification (germline): Uncertain significance (1 of 4 stars; one submission).

Conditions:
Cardiovascular phenotype. Identifiers: MedGen CN230736.
Hereditary cancer-predisposing syndrome. Also called: Neoplastic Syndromes, Hereditary; Tumor predisposition; Hereditary neoplastic syndrome; Hereditary Cancer Syndrome. Identifiers: Orphanet 140162, MedGen C0027672, MeSH D009386, MONDO:0015356.

Submission:

Ambry Genetics
Classification: Uncertain significance for Cardiovascular phenotype; Hereditary cancer-predisposing syndrome. Last evaluated: 2025-06-09. Review status: criteria provided, single submitter. Criteria: Ambry Variant Classification Scheme 2023. Collection method: clinical testing. Allele origin: germline.
Comment: The p.F945V variant (also known as c.2833T>G), located in coding exon 21 of the NF1 gene, results from a T to G substitution at nucleotide position 2833. The phenylalanine at codon 945 is replaced by valine, an amino acid with highly similar properties. This amino acid position is conserved. In addition, this alteration is predicted to be deleterious by in silico analysis. Based on the available evidence, the clinical significance of this variant remains unclear.